The following is an entry in ClinVar:

NM_138295.5(PKD1L1):c.6746C>T (p.Ala2249Val)

Gene: PKD1L1 (polycystin 1 like 1, transient receptor potential channel interacting; minus strand). Cytogenetic location: 7p12.3.
Variant type: single nucleotide variant.
Coding change: c.6746C>T on transcript NM_138295.5 (MANE Select); coding-DNA position 6746, C replaced by T.
Protein change: p.Ala2249Val; replaces alanine 2249 with valine.
Molecular consequence: missense variant.
Genome position (GRCh38, 1-based): chr7:47,827,458, G>A on the plus strand (C>T on the coding strand, the complement: PKD1L1 is on the minus strand). VCF-style: chr7-47827458-G-A. GRCh37 (hg19) VCF-style: chr7-47867056-G-A.
Other names: short protein forms A2249V.
Identifiers: ClinVar variation 3602483 (VCV003602483.1).
Genomic context (GRCh38, chr7:47,827,458, plus strand): 5'-CCCCTCAGCTGGGCCTTGGATGGTGGATGCGCCCAGCGCAGGTGGCGAGCTTGTTGTCGG[G>A]CAGCCAAGACCTGTCAGGGACAAGAGTGCTGTGAGCTGCGGGCTGGTGGGTGGAAGGAGA-3'
Protein context (NP_612152.1, residues 2239-2259): CAGEVEKVLA[Ala2249Val]RQQARHLRWA

ClinVar aggregate classification (germline): Uncertain significance (1 of 4 stars; one submission).

gnomAD v4.1: 2 of 1,605,276 alleles (0.00012%); highest among the groups gnomAD compares: African/African-American, 0.0013%; no homozygotes.

Submission:

GeneDx
Classification: Uncertain significance. Last evaluated: 2024-07-30. Review status: criteria provided, single submitter. Criteria: GeneDx Variant Classification Process June 2021. Collection method: clinical testing. Allele origin: germline. Affected: yes.
Comment: Not observed at significant frequency in large population cohorts (gnomAD); In silico analysis supports that this missense variant has a deleterious effect on protein structure/function; Has not been previously published as pathogenic or benign to our knowledge